The following is an entry in ClinVar:

NM_002661.5(PLCG2):c.2624T>G (p.Ile875Ser)

Gene: PLCG2 (phospholipase C gamma 2; plus strand). Cytogenetic location: 16q23.3.
Variant type: single nucleotide variant.
Coding change: c.2624T>G on transcript NM_002661.5 (MANE Select); coding-DNA position 2624, T replaced by G.
Protein change: p.Ile875Ser; replaces isoleucine 875 with serine.
Molecular consequence: missense variant.
Genome position (GRCh38, 1-based): chr16:81,931,539, T>G. VCF-style: chr16-81931539-T-G. GRCh37 (hg19) VCF-style: chr16-81965144-T-G.
Other names: c.2624T>G, p.Ile875Ser (NM_001425749.1, NM_001425750.1, NM_001425751.1); short protein forms I875S.
Identifiers: ClinVar variation 4699358 (VCV004699358.1).

ClinVar aggregate classification (germline): Uncertain significance (1 of 4 stars; one submission).

Conditions:
Familial cold autoinflammatory syndrome 3 (FCAS3). Also called: FAMILIAL ATYPICAL COLD URTICARIA; ANTIBODY DEFICIENCY AND IMMUNE DYSREGULATION, PLCG2-ASSOCIATED. Identifiers: Orphanet 300359, MedGen C3280914, MONDO:0013766, OMIM 614468.

gnomAD v4.1: 3 of 1,614,154 alleles (0.00019%); highest among the groups gnomAD compares: Non-Finnish European, 0.00025%; no homozygotes.

Submission:

Labcorp Genetics (formerly Invitae), Labcorp
Classification: Uncertain significance for Familial cold autoinflammatory syndrome 3. Last evaluated: 2025-02-07. Review status: criteria provided, single submitter. Criteria: Invitae Variant Classification Sherloc (09022015). Collection method: clinical testing. Allele origin: germline.
Comment: This sequence change replaces isoleucine, which is neutral and non-polar, with serine, which is neutral and polar, at codon 875 of the PLCG2 protein (p.Ile875Ser). This variant is not present in population databases (gnomAD no frequency). This variant has not been reported in the literature in individuals affected with PLCG2-related conditions. An algorithm developed to predict the effect of missense changes on protein structure and function (PolyPhen-2) suggests that this variant is likely to be tolerated. In summary, the available evidence is currently insufficient to determine the role of this variant in disease. Therefore, it has been classified as a Variant of Uncertain Significance.